The following is an entry in ClinVar:

NM_001267550.2(TTN):c.86615_86617del (p.Asp28872del)

Genes: TTN (titin; minus strand), TTN-AS1 (TTN antisense RNA 1; plus strand). Cytogenetic location: 2q31.2.
Variant type: Deletion.
Coding change: c.86615_86617del on transcript NM_001267550.2 (MANE Select); coding-DNA positions 86615 to 86617, 3 bases deleted (ATG; older notation c.86615_86617delATG).
Protein change: p.Asp28872del; deletes aspartic acid 28872.
Molecular consequence: inframe indel (on NM_001267550.1).
Genome position (GRCh38, 1-based): chr2:178,559,515-178,559,517, CAT deleted on the plus strand (ATG on the coding strand, the reverse complement: TTN is on the minus strand); deleting any 3 consecutive bases within chr2:178,559,515-178,559,518 gives the same sequence; the c. name uses the placement nearest the transcript's 3' end. VCF-style (leftmost placement, unchanged base first): chr2-178559514-CCAT-C. GRCh37 (hg19) VCF-style: chr2-179424241-CCAT-C.
Other names: c.81692_81694del, p.Asp27231del (NM_001256850.1); c.86614_86616delGAT, p.Asp28872del (NM_001267550.1); c.59420_59422del, p.Asp19807del (NM_003319.4); c.78911_78913del, p.Asp26304del (NM_133378.4); c.59795_59797del, p.Asp19932del (NM_133432.3); c.59996_59998del, p.Asp19999del (NM_133437.4); short protein forms D19807del, D19932del, D19999del, D26304del, D27231del, D28872del.
Identifiers: ClinVar variation 3602322 (VCV003602322.1).

ClinVar aggregate classification (germline): Uncertain significance (1 of 4 stars; one submission).

Submission:

GeneDx
Classification: Uncertain significance. Last evaluated: 2024-07-29. Review status: criteria provided, single submitter. Criteria: GeneDx Variant Classification Process June 2021. Collection method: clinical testing. Allele origin: germline. Affected: yes.
Comment: Not observed at significant frequency in large population cohorts (gnomAD); In-frame deletion of 1 amino acid in a gene in which most reported pathogenic variants are truncating/loss-of-function; Has not been previously published as pathogenic or benign to our knowledge